The following is an entry in ClinVar:

ClinVar aggregate classification (germline): Pathogenic (1 of 4 stars; one submission).

gnomAD v4.1: 1 of 1,614,000 alleles (0.000062%); highest among the groups gnomAD compares: Non-Finnish European, 0.000085%; no homozygotes.

Submission:

Labcorp Genetics (formerly Invitae), Labcorp
Classification: Pathogenic. Last evaluated: 2022-09-22. Review status: criteria provided, single submitter. Criteria: Invitae Variant Classification Sherloc (09022015). Collection method: clinical testing. Allele origin: germline.
Comment: For these reasons, this variant has been classified as Pathogenic. This variant has not been reported in the literature in individuals affected with LCT-related conditions. This variant is not present in population databases (gnomAD no frequency). This sequence change creates a premature translational stop signal (p.Gln185*) in the LCT gene. It is expected to result in an absent or disrupted protein product. Loss-of-function variants in LCT are known to be pathogenic (PMID: 16400612, 25881162).

Literature cited by the submitters: PubMed 16400612; PubMed 25881162.

NM_002299.4(LCT):c.553C>T (p.Gln185Ter)

Gene: LCT (lactase; minus strand). Cytogenetic location: 2q21.3.
Variant type: single nucleotide variant.
Coding change: c.553C>T on transcript NM_002299.4 (MANE Select); coding-DNA position 553, C replaced by T.
Protein change: p.Gln185Ter; replaces glutamine 185 with a stop codon.
Molecular consequence: nonsense.
Genome position (GRCh38, 1-based): chr2:135,836,617, G>A on the plus strand (C>T on the coding strand, the complement: LCT is on the minus strand). VCF-style: chr2-135836617-G-A. GRCh37 (hg19) VCF-style: chr2-136594187-G-A.
Other names: short protein forms Q185*.
Identifiers: ClinVar variation 2051413 (VCV002051413.4), dbSNP rs1167914907, ClinGen allele CA348609089.
Genomic context (GRCh38, chr2:135,836,617, plus strand): 5'-TCTCATAGGCTTTTCTGTGGGCATCACTGAGGGTCTGGAGTTGTGACGCTCTTGATTCCT[G>A]GTGGGGAAGCTCCTTGATCACTTCCTCCAAGTCACTGAAGGTGAACCAGATCCCAACTAG-3'